The following is an entry in ClinVar:

NM_000829.4(GRIA4):c.2209C>T (p.Arg737Ter)

Gene: GRIA4 (glutamate ionotropic receptor AMPA type subunit 4; plus strand). Cytogenetic location: 11q22.3.
Variant type: single nucleotide variant.
Coding change: c.2209C>T on transcript NM_000829.4 (MANE Select); coding-DNA position 2209, C replaced by T.
Protein change: p.Arg737Ter; replaces arginine 737 with a stop codon.
Molecular consequence: nonsense. On other transcripts: non-coding transcript variant (1).
Genome position (GRCh38, 1-based): chr11:105,933,884, C>T. VCF-style: chr11-105933884-C-T. GRCh37 (hg19) VCF-style: chr11-105804610-C-T.
Other names: c.2209C>T, p.Arg737Ter (NM_001077243.3); short protein forms R737*.
Identifiers: ClinVar variation 631525 (VCV000631525.3), dbSNP rs1591461970, ClinGen allele CA382302455.

ClinVar aggregate classification (germline): Likely pathogenic (0 of 4 stars; one submission).

Conditions:
Obesity. Also called: Obesity disorder. Identifiers: Orphanet 71529, MedGen C0028754, MeSH D009765, MONDO:0011122, HP:0001513.

gnomAD v4.1: 3 of 1,613,072 alleles (0.00019%); highest among the groups gnomAD compares: Non-Finnish European, 0.00025%; no homozygotes.

Submission:

Dash Lab, University Health Network
Classification: Likely pathogenic for Obesity. Last evaluated: 2018-05-01. Review status: no assertion criteria provided. Collection method: research. Allele origin: germline. Affected: yes.
Comment: No functional studies performed. Protein change E23K. Familial co-segregation not assessed.